The following is an entry in ClinVar:

ClinVar aggregate classification (germline): Uncertain significance (1 of 4 stars; one submission).

Conditions:
FG syndrome (FGS). Identifiers: MedGen C0220769, MONDO:0002010.

Submission:

Labcorp Genetics (formerly Invitae), Labcorp
Classification: Uncertain significance for FG syndrome. Last evaluated: 2023-01-20. Review status: criteria provided, single submitter. Criteria: Invitae Variant Classification Sherloc (09022015). Collection method: clinical testing. Allele origin: germline.
Comment: In summary, the available evidence is currently insufficient to determine the role of this variant in disease. Therefore, it has been classified as a Variant of Uncertain Significance. Advanced modeling of protein sequence and biophysical properties (such as structural, functional, and spatial information, amino acid conservation, physicochemical variation, residue mobility, and thermodynamic stability) has been performed at Invitae for this missense variant, however the output from this modeling did not meet the statistical confidence thresholds required to predict the impact of this variant on MED12 protein function. This variant has not been reported in the literature in individuals affected with MED12-related conditions. This variant is not present in population databases (gnomAD no frequency). This sequence change replaces phenylalanine, which is neutral and non-polar, with isoleucine, which is neutral and non-polar, at codon 2174 of the MED12 protein (p.Phe2174Ile).

NM_005120.3(MED12):c.6520T>A (p.Phe2174Ile)

Gene: MED12 (mediator complex subunit 12; plus strand). Cytogenetic location: Xq13.1.
Variant type: single nucleotide variant.
Coding change: c.6520T>A on transcript NM_005120.3 (MANE Select); coding-DNA position 6520, T replaced by A.
Protein change: p.Phe2174Ile; replaces phenylalanine 2174 with isoleucine.
Molecular consequence: missense variant.
Genome position (GRCh38, 1-based): chrX:71,142,204, T>A. VCF-style: chrX-71142204-T-A. GRCh37 (hg19) VCF-style: chrX-70362054-T-A.
Other names: short protein forms F2174I.
Identifiers: ClinVar variation 2830676 (VCV002830676.3), dbSNP rs2519725826, ClinGen allele CA413544815.